The following is an entry in ClinVar:

ClinVar aggregate classification (germline): Conflicting classifications of pathogenicity. Review status: criteria provided, conflicting classifications (1 of 4 stars). 2 submissions from 2 submitters: Uncertain significance (1); Likely benign (1). Last evaluated 2024-09-16.

Conditions:
Primary ciliary dyskinesia. Also called: Ciliary dyskinesia. Identifiers: Orphanet 244, MedGen C0008780, MONDO:0016575, HP:0012265.

Allele frequency attached by ClinVar (database versions not stated): ExAC 0.00002; gnomAD 0.00002 and 0.00001; gnomAD exomes 0.00002 and 0.00001; ESP Exome Variant Server 0.00008; TOPMed 0.00001.
gnomAD v4.1: 34 of 1,613,636 alleles (0.0021%); highest among the groups gnomAD compares: Admixed American, 0.0033%; no homozygotes.

Submissions (2):

Blueprint Genetics
Classification: Likely benign. Last evaluated: 2024-09-16. Review status: criteria provided, single submitter. Criteria: ACMG Guidelines, 2015. Collection method: clinical testing. Allele origin: germline.

Labcorp Genetics (formerly Invitae), Labcorp
Classification: Uncertain significance for Primary ciliary dyskinesia. Last evaluated: 2021-09-01. Review status: criteria provided, single submitter. Criteria: Invitae Variant Classification Sherloc (09022015). Collection method: clinical testing. Allele origin: germline.
Comment: This sequence change falls in intron 6 of the DRC1 gene. It does not directly change the encoded amino acid sequence of the DRC1 protein. It affects a nucleotide within the consensus splice site of the intron. This variant is present in population databases (rs374715318, ExAC 0.003%). This variant has not been reported in the literature in individuals affected with DRC1-related conditions. ClinVar contains an entry for this variant (Variation ID: 407107). Variants that disrupt the consensus splice site are a relatively common cause of aberrant splicing (PMID: 17576681, 9536098). Algorithms developed to predict the effect of sequence changes on RNA splicing suggest that this variant is not likely to affect RNA splicing. In summary, the available evidence is currently insufficient to determine the role of this variant in disease. Therefore, it has been classified as a Variant of Uncertain Significance.

Literature cited by the submitters: PubMed 17576681 (cited by Labcorp Genetics (formerly Invitae), Labcorp); PubMed 9536098 (cited by Labcorp Genetics (formerly Invitae), Labcorp).

NM_145038.5(DRC1):c.765+6G>A

Gene: DRC1 (dynein regulatory complex subunit 1; plus strand). Cytogenetic location: 2p23.3.
Variant type: single nucleotide variant.
Coding change: c.765+6G>A on transcript NM_145038.5 (MANE Select); 6 bases into the intron after coding-DNA position 765, G replaced by A.
Molecular consequence: intron variant.
Genome position (GRCh38, 1-based): chr2:26,430,878, G>A. VCF-style: chr2-26430878-G-A. GRCh37 (hg19) VCF-style: chr2-26653746-G-A.
Identifiers: ClinVar variation 407107 (VCV000407107.7), dbSNP rs374715318, ClinGen allele CA1562008.
Genomic context (GRCh38, chr2:26,430,878, plus strand): 5'-GGCCAGTAATAAGAAGAAATGGGAGCAAGCCCTTCAGGCTCATAATGCCAAAGAGGTAAA[G>A]GGTGGAGCCTGTCAAGAGTGATCCGTGGGGTCTGGGTGATTTTTATTGTGACTGAATTTG-3'